The following is an entry in ClinVar:

NM_025099.6(CTC1):c.429C>G (p.Ser143Arg)

Gene: CTC1 (CST telomere replication complex component 1; minus strand). Cytogenetic location: 17p13.1.
Variant type: single nucleotide variant.
Coding change: c.429C>G on transcript NM_025099.6 (MANE Select); coding-DNA position 429, C replaced by G.
Protein change: p.Ser143Arg; replaces serine 143 with arginine.
Molecular consequence: missense variant. On other transcripts: non-coding transcript variant (1).
Genome position (GRCh38, 1-based): chr17:8,238,398, G>C on the plus strand (C>G on the coding strand, the complement: CTC1 is on the minus strand). VCF-style: chr17-8238398-G-C. GRCh37 (hg19) VCF-style: chr17-8141716-G-C.
Other names: c.429C>G, p.Ser143Arg (NM_001411067.1); short protein forms S143R.
Identifiers: ClinVar variation 2062582 (VCV002062582.2), dbSNP rs912021398, ClinGen allele CA287539303.

ClinVar aggregate classification (germline): Uncertain significance (1 of 4 stars; one submission).

Conditions:
Dyskeratosis congenita. Identifiers: Orphanet 1775, MedGen C0265965, MONDO:0015780.

Allele frequency attached by ClinVar (database versions not stated): gnomAD 0.00001; TOPMed 0.00001; gnomAD exomes 0.00002.
gnomAD v4.1: 23 of 1,613,394 alleles (0.0014%); highest among the groups gnomAD compares: Non-Finnish European, 0.0019%; no homozygotes.

Submission:

Labcorp Genetics (formerly Invitae), Labcorp
Classification: Uncertain significance for Dyskeratosis congenita. Last evaluated: 2025-05-05. Review status: criteria provided, single submitter. Criteria: Invitae Variant Classification Sherloc (09022015). Collection method: clinical testing. Allele origin: germline.
Comment: This sequence change replaces serine, which is neutral and polar, with arginine, which is basic and polar, at codon 143 of the CTC1 protein (p.Ser143Arg). This variant is present in population databases (no rsID available, gnomAD 0.0009%). This variant has not been reported in the literature in individuals affected with CTC1-related conditions. ClinVar contains an entry for this variant (Variation ID: 2062582). Invitae Evidence Modeling of protein sequence and biophysical properties (such as structural, functional, and spatial information, amino acid conservation, physicochemical variation, residue mobility, and thermodynamic stability) indicates that this missense variant is not expected to disrupt CTC1 protein function with a negative predictive value of 80%. In summary, the available evidence is currently insufficient to determine the role of this variant in disease. Therefore, it has been classified as a Variant of Uncertain Significance.